The following is an entry in ClinVar:

NM_016156.6(MTMR2):c.1276C>T (p.Gln426Ter)

Gene: MTMR2 (myotubularin related protein 2; minus strand). Cytogenetic location: 11q21.
Variant type: single nucleotide variant.
Coding change: c.1276C>T on transcript NM_016156.6 (MANE Select); coding-DNA position 1276, C replaced by T.
Protein change: p.Gln426Ter; replaces glutamine 426 with a stop codon.
Molecular consequence: nonsense.
Genome position (GRCh38, 1-based): chr11:95,845,063, G>A on the plus strand (C>T on the coding strand, the complement: MTMR2 is on the minus strand). VCF-style: chr11-95845063-G-A. GRCh37 (hg19) VCF-style: chr11-95578227-G-A.
Other names: c.1060C>T, p.Gln354Ter (NM_001243571.2, NM_201278.3, NM_201281.3); short protein forms Q426*, Q354*.
Identifiers: ClinVar variation 6231 (VCV000006231.11), dbSNP rs121434402, ClinGen allele CA253823.

ClinVar aggregate classification (germline): Pathogenic. Review status: criteria provided, single submitter (1 of 4 stars). 2 submissions from 2 submitters: Pathogenic (1). 1 of the submissions does not count toward it. Last evaluated 2018-10-16.

Conditions:
Charcot-Marie-Tooth disease type 4B1. Also called: CHARCOT-MARIE-TOOTH DISEASE, DEMYELINATING, TYPE 4B1; Charcot-Marie-Tooth Neuropathy Type 4B1; CHARCOT-MARIE-TOOTH DISEASE, AUTOSOMAL RECESSIVE, WITH FOCALLY FOLDED MYELIN SHEATHS, AUTOSOMAL RECESSIVE, TYPE 4B1; CHARCOT-MARIE-TOOTH DISEASE, TYPE 4B. Identifiers: Orphanet 99955, MedGen C1832399, MONDO:0011066, OMIM 601382.
Charcot-Marie-Tooth disease type 4. Also called: Charcot-Marie-Tooth disease, type IV; Charcot-Marie-Tooth, Type 4. Identifiers: Orphanet 64749, MedGen C4082197, MONDO:0018995.

Allele frequency attached by ClinVar (database versions not stated): gnomAD exomes below 0.00001 and 0.00001; gnomAD 0.00001.
gnomAD v4.1: 5 of 1,613,806 alleles (0.00031%); highest among the groups gnomAD compares: African/African-American, 0.0013%; no homozygotes.

Submissions (2):

Labcorp Genetics (formerly Invitae), Labcorp
Classification: Pathogenic for Charcot-Marie-Tooth disease type 4. Last evaluated: 2018-10-16. Review status: criteria provided, single submitter. Criteria: Invitae Variant Classification Sherloc (09022015). Collection method: clinical testing. Allele origin: germline.
Comment: Loss-of-function variants in MTMR2 are known to be pathogenic (PMID: 10802647). For these reasons, this variant has been classified as Pathogenic. This variant has been observed in an individual affected with autosomal recessive Charcot-Marie-Tooth disease type 4B (PMID: 10802647). ClinVar contains an entry for this variant (Variation ID: 6231). This variant is not present in population databases (ExAC no frequency). This sequence change creates a premature translational stop signal (p.Gln426*) in the MTMR2 gene. It is expected to result in an absent or disrupted protein product.

OMIM
Classification: Pathogenic for CHARCOT-MARIE-TOOTH DISEASE, HYPOMYELINATING, TYPE 4B1. Last evaluated: 2000-05-01. Review status: no assertion criteria provided. Collection method: literature only. Allele origin: germline. Not counted in ClinVar's aggregate classification.

Literature cited by the submitters: PubMed 10802647 (cited by Labcorp Genetics (formerly Invitae), Labcorp and OMIM).